The following is an entry in ClinVar:

NM_024675.4(PALB2):c.1742_1745del (p.Leu581fs)

Gene: PALB2 (partner and localizer of BRCA2; minus strand). Cytogenetic location: 16p12.2.
Variant type: Deletion.
Coding change: c.1742_1745del on transcript NM_024675.4 (MANE Select); coding-DNA positions 1742 to 1745, 4 bases deleted (TATC; older notation c.1742_1745delTATC).
Protein change: p.Leu581fs; shifts the reading frame from leucine 581.
Molecular consequence: frameshift variant. On other transcripts: 5 prime UTR variant (2), intron variant (1).
Genome position (GRCh38, 1-based): chr16:23,630,409-23,630,412, GATA deleted on the plus strand (TATC on the coding strand, the reverse complement: PALB2 is on the minus strand). VCF-style (leftmost placement, unchanged base first): chr16-23630408-GGATA-G. GRCh37 (hg19) VCF-style: chr16-23641729-GGATA-G.
Other names: c.1682_1685del, p.Leu561fs (NM_001407296.1); c.1742_1745del, p.Leu581fs (NM_001407297.1, NM_001407298.1, NM_001407299.1 and 3 more transcripts); c.857_860del, p.Leu286fs (NM_001407304.1, NM_001407305.1, NM_001407306.1 and 5 more transcripts); c.-47_-44del (NM_001407312.1, NM_001407313.1); c.49-1137_49-1134del (NM_001407314.1); short protein forms L286fs, L561fs, L581fs.
Identifiers: ClinVar variation 3885184 (VCV003885184.1).

ClinVar aggregate classification (germline): Pathogenic (1 of 4 stars; one submission).

Conditions:
Hereditary cancer-predisposing syndrome. Also called: Tumor predisposition; Neoplastic Syndromes, Hereditary; Hereditary Cancer Syndrome; Hereditary neoplastic syndrome. Identifiers: Orphanet 140162, MedGen C0027672, MeSH D009386, MONDO:0015356.

Submission:

Ambry Genetics
Classification: Pathogenic for Hereditary cancer-predisposing syndrome. Last evaluated: 2024-12-18. Review status: criteria provided, single submitter. Criteria: Ambry Variant Classification Scheme 2023. Collection method: clinical testing. Allele origin: germline.
Comment: The c.1742_1745delTATC pathogenic mutation, located in coding exon 5 of the PALB2 gene, results from a deletion of 4 nucleotides at nucleotide positions 1742 to 1745, causing a translational frameshift with a predicted alternate stop codon (p.L581Sfs*17). This variant is considered to be rare based on population cohorts in the Genome Aggregation Database (gnomAD). This alteration is expected to result in loss of function by premature protein truncation or nonsense-mediated mRNA decay. As such, this alteration is interpreted as a disease-causing mutation.